The following is an entry in ClinVar:

ClinVar aggregate classification (germline): Conflicting classifications of pathogenicity. Review status: criteria provided, conflicting classifications (1 of 4 stars). 6 submissions from 6 submitters: Uncertain significance (1); Benign (2); Likely benign (2). 1 of the submissions does not count toward it. Last evaluated 2026-05-12.

Conditions:
TG-related disorder. Also called: TG-related condition; TG-related disorders.
Iodotyrosyl coupling defect (TDH3). Also called: THYROID HORMONOGENESIS, GENETIC DEFECT IN, 3; HYPOTHYROIDISM, CONGENITAL, DUE TO DYSHORMONOGENESIS, 3. Identifiers: Orphanet 95716, MedGen C0342194, MONDO:0010135, OMIM 274700.

Allele frequency attached by ClinVar (database versions not stated): 1000 Genomes Project 30x 0.00234; 1000 Genomes Project 0.00280; ESP Exome Variant Server 0.00284; gnomAD 0.00345 and 0.00349; ExAC 0.00362; gnomAD exomes 0.00367; TOPMed 0.00386.
gnomAD v4.1: 6,044 of 1,614,124 alleles (0.37%); highest among the groups gnomAD compares: Middle Eastern, 2%; 17 homozygotes.

Submissions (6):

Women's Health and Genetics/Laboratory Corporation of America, LabCorp
Classification: Benign. Last evaluated: 2026-05-12. Review status: criteria provided, single submitter. Criteria: LabCorp Variant Classification Summary - May 2015. Collection method: clinical testing. Allele origin: germline.

CeGaT Center for Human Genetics Tuebingen
Classification: Likely benign. Last evaluated: 2026-03-01. Review status: criteria provided, single submitter. Criteria: CeGaT Center For Human Genetics Tuebingen Variant Classification Criteria Version 2. Collection method: clinical testing. Allele origin: germline. Affected: yes. Observed: 6 variant alleles.
Comment: TG: BP4, BP7

Labcorp Genetics (formerly Invitae), Labcorp
Classification: Benign. Last evaluated: 2026-02-01. Review status: criteria provided, single submitter. Criteria: Invitae Variant Classification Sherloc (09022015). Collection method: clinical testing. Allele origin: germline.

Illumina Laboratory Services, Illumina
Classification: Uncertain significance for Iodotyrosyl coupling defect. Last evaluated: 2018-01-12. Review status: criteria provided, single submitter. Criteria: ICSL Variant Classification Criteria 13 December 2019. Collection method: clinical testing. Allele origin: germline.

Genetic Services Laboratory, University of Chicago
Classification: Likely benign. Last evaluated: 2016-11-07. Review status: criteria provided, single submitter. Criteria: ACMG Guidelines, 2015. Collection method: clinical testing. Allele origin: germline. Affected: no.

PreventionGenetics, part of Exact Sciences
Classification: Benign for TG-related condition. Last evaluated: 2019-06-25. Review status: no assertion criteria provided. Collection method: clinical testing. Allele origin: germline. Not counted in ClinVar's aggregate classification.
Comment: This variant is classified as benign based on ACMG/AMP sequence variant interpretation guidelines (Richards et al. 2015 PMID: 25741868, with internal and published modifications).

NM_003235.5(TG):c.144C>T (p.Tyr48=)

Gene: TG (thyroglobulin; plus strand). Cytogenetic location: 8q24.22.
Variant type: single nucleotide variant.
Coding change: c.144C>T on transcript NM_003235.5 (MANE Select); coding-DNA position 144, C replaced by T.
Protein change: p.Tyr48=; no amino-acid change (tyrosine 48 retained).
Molecular consequence: synonymous variant.
Genome position (GRCh38, 1-based): chr8:132,868,191, C>T. VCF-style: chr8-132868191-C-T. GRCh37 (hg19) VCF-style: chr8-133880436-C-T.
Identifiers: ClinVar variation 436995 (VCV000436995.42), dbSNP rs114436500, ClinGen allele CA4882801.